The following is an entry in ClinVar:

ClinVar aggregate classification (germline): Conflicting classifications of pathogenicity. Review status: criteria provided, conflicting classifications (1 of 4 stars). 8 submissions from 7 submitters: Uncertain significance (2); Likely benign (3). 3 of the submissions do not count toward it. Last evaluated 2026-08-21.

Conditions:
Cardiovascular phenotype. Identifiers: MedGen CN230736.
Myofibrillar myopathy 4. Also called: Zaspopathy (type). Identifiers: Orphanet 98912, MedGen C4721886, MONDO:0012277, OMIM 609452.
Dilated cardiomyopathy 1C (CMD1C). Also called: CARDIOMYOPATHY, DILATED, 1C, WITH OR WITHOUT LEFT VENTRICULAR NONCOMPACTION; Cardiomyopathy, dilated, 1C, with or without LVNC. Identifiers: Orphanet 154, Orphanet 54260, MedGen C1832244, MONDO:0011094, OMIM 601493.
Left ventricular noncompaction 3 (LVNC3). Identifiers: MedGen C3152137.

Allele frequency attached by ClinVar (database versions not stated): gnomAD exomes 0.00015 and 0.00011; 1000 Genomes Project 30x 0.00047; TOPMed 0.00005; gnomAD 0.00010 and 0.00004; ExAC 0.00017; 1000 Genomes Project 0.00060.
gnomAD v4.1: 229 of 1,614,022 alleles (0.014%); highest among the groups gnomAD compares: East Asian, 0.44%; 1 homozygote.

Submissions (8):

GeneDx
Classification: Uncertain significance. Last evaluated: 2026-08-21. Review status: criteria provided, single submitter. Criteria: GeneDx Variant Classification Process June 2021. Collection method: clinical testing. Allele origin: germline.
Comment: In silico analysis, which includes protein predictors and evolutionary conservation, supports a deleterious effect; Reported using an alternate transcript of the gene; This variant is associated with the following publications: (PMID: 14660611, 23558691, 34426522, 27135274, 31024045, 16427346)

Women's Health and Genetics/Laboratory Corporation of America, LabCorp
Classification: Likely benign. Last evaluated: 2026-06-16. Review status: criteria provided, single submitter. Criteria: LabCorp Variant Classification Summary - May 2015. Collection method: clinical testing. Allele origin: germline.
Comment: Variant summary: LDB3 c.2017G>A (p.Asp673Asn) results in a conservative amino acid change in the encoded protein sequence. Algorithms developed to predict the effect of missense changes on protein structure and function are either unavailable or do not agree on the potential impact of this missense change. The variant allele was found at a frequency of 0.00011 in 251470 control chromosomes, predominantly at a frequency of 0.00098 within the East Asian subpopulation in the gnomAD database. The observed variant frequency within East Asian control individuals in the gnomAD database exceeds the estimated maximal expected allele frequency for disease-causing variants in LDB3. To our knowledge, no occurrence of c.2017G>A in individuals affected with LDB3-related conditions and no experimental evidence demonstrating its impact on protein function have been reported. ClinVar contains an entry for this variant (Variation ID: 4735). Based on the evidence outlined above, the variant was classified as likely benign.

Labcorp Genetics (formerly Invitae), Labcorp
Classification: Likely benign for Myofibrillar myopathy 4. Last evaluated: 2025-05-04. Review status: criteria provided, single submitter. Criteria: Invitae Variant Classification Sherloc (09022015). Collection method: clinical testing. Allele origin: germline.

Ambry Genetics
Classification: Likely benign for Cardiovascular phenotype. Last evaluated: 2022-11-18. Review status: criteria provided, single submitter. Criteria: Ambry Variant Classification Scheme 2023. Collection method: clinical testing. Allele origin: germline.

Fulgent Genetics
Classification: Uncertain significance for Dilated cardiomyopathy 1C; Myofibrillar myopathy 4. Last evaluated: 2021-12-10. Review status: criteria provided, single submitter. Criteria: ACMG Guidelines, 2015. Collection method: clinical testing. Allele origin: unknown.

Genetics and Genomic Medicine Centre, NeuroGen Healthcare, NeuroGen Healthcare
Classification: Uncertain significance. Last evaluated: 2021-01-05. Review status: no assertion criteria provided. Collection method: clinical testing. Allele origin: unknown. Affected: yes. Not counted in ClinVar's aggregate classification.

OMIM
Classification: Pathogenic for CARDIOMYOPATHY, DILATED, 1C. Last evaluated: 2006-05-01. Review status: no assertion criteria provided. Collection method: literature only. Allele origin: germline. Not counted in ClinVar's aggregate classification.

OMIM
Classification: Pathogenic for LEFT VENTRICULAR NONCOMPACTION 3. Last evaluated: 2006-05-01. Review status: no assertion criteria provided. Collection method: literature only. Allele origin: germline. Not counted in ClinVar's aggregate classification.

Literature cited by the submitters: PubMed 14660611 (cited by Ambry Genetics and OMIM); PubMed 16427346 (cited by Ambry Genetics and OMIM); PubMed 23558691 (cited by Ambry Genetics); PubMed 27135274 (cited by Ambry Genetics); PubMed 30665703 (cited by Ambry Genetics); PubMed 31024045 (cited by Ambry Genetics).

NM_007078.3(LDB3):c.2017G>A (p.Asp673Asn)

Gene: LDB3 (LIM domain binding 3; plus strand). Cytogenetic location: 10q23.2.
Variant type: single nucleotide variant.
Coding change: c.2017G>A on transcript NM_007078.3 (MANE Select); coding-DNA position 2017, G replaced by A.
Protein change: p.Asp673Asn; replaces aspartic acid 673 with asparagine.
Molecular consequence: missense variant.
Genome position (GRCh38, 1-based): chr10:86,726,175, G>A. VCF-style: chr10-86726175-G-A. GRCh37 (hg19) VCF-style: chr10-88485932-G-A.
Other names: c.1687G>A, p.Asp563Asn (NM_001080114.2); c.2032G>A, p.Asp678Asn (NM_001171610.2); c.1828G>A, p.Asp610Asn (NM_001368064.1, NM_001368065.1); c.1876G>A, p.Asp626Asn (NM_001368066.1); c.2017G>A, p.Asp673Asn (LRG_385t1); short protein forms D626N, D673N, D678N, D610N, D563N.
Identifiers: ClinVar variation 4735 (VCV000004735.18), dbSNP rs45514002, ClinGen allele CA117036.